The following is an entry in ClinVar:

NM_000329.3(RPE65):c.1154C>T (p.Thr385Met)

Gene: RPE65 (retinoid isomerohydrolase RPE65; minus strand). Cytogenetic location: 1p31.3.
Variant type: single nucleotide variant.
Coding change: c.1154C>T on transcript NM_000329.3 (MANE Select); coding-DNA position 1154, C replaced by T.
Protein change: p.Thr385Met; replaces threonine 385 with methionine.
Molecular consequence: missense variant.
Genome position (GRCh38, 1-based): chr1:68,431,560, G>A on the plus strand (C>T on the coding strand, the complement: RPE65 is on the minus strand). VCF-style: chr1-68431560-G-A. GRCh37 (hg19) VCF-style: chr1-68897243-G-A.
Other names: short protein forms T385M.
Identifiers: ClinVar variation 712719 (VCV000712719.19), dbSNP rs201379753, ClinGen allele CA902266.

ClinVar aggregate classification (germline): Conflicting classifications of pathogenicity. Review status: criteria provided, conflicting classifications (1 of 4 stars). 7 submissions from 6 submitters: Uncertain significance (5); Likely benign (1). 1 of the submissions does not count toward it. Last evaluated 2026-01-04.

Conditions:
RPE65-related disorder. Also called: RPE65-related disorders; RPE65-related condition. Identifiers: MedGen CN239301.
Leber congenital amaurosis 2 (LCA2). Also called: AMAUROSIS CONGENITA OF LEBER II; Autosomal Recessive RPE65-Related Retinal Degeneration. Identifiers: Orphanet 65, MedGen C1859844, MONDO:0008765, OMIM 204100. Disease mechanism: loss of function.
Retinitis pigmentosa 20 (RP20). Identifiers: Orphanet 791, MedGen C3151086, MONDO:0013425, OMIM 613794.
Retinal dystrophy. Also called: Inherited retinal dystrophy. Identifiers: Orphanet 71862, MedGen C0854723, MeSH D058499, MONDO:0019118, HP:0000556.
Retinitis pigmentosa (RP). Identifiers: Orphanet 791, MedGen C0035334, MeSH D012174, MONDO:0019200, OMIM 268000. Inheritance: Autosomal dominant, autosomal recessive and X linked inheritance.

Allele frequency attached by ClinVar (database versions not stated): gnomAD exomes 0.00024 and 0.00013; 1000 Genomes Project 30x 0.00094; 1000 Genomes Project 0.00120; gnomAD 0.00009 and 0.00014; TOPMed 0.00019; ExAC 0.00022.
gnomAD v4.1: 214 of 1,613,842 alleles (0.013%); highest among the groups gnomAD compares: East Asian, 0.36%; 1 homozygote.

Submissions (7):

Labcorp Genetics (formerly Invitae), Labcorp
Classification: Likely benign for Leber congenital amaurosis 2; Retinitis pigmentosa 20. Last evaluated: 2026-01-04. Review status: criteria provided, single submitter. Criteria: Invitae Variant Classification Sherloc (09022015). Collection method: clinical testing. Allele origin: germline.

Blueprint Genetics
Classification: Uncertain significance. Last evaluated: 2024-10-30. Review status: criteria provided, single submitter. Criteria: ACMG Guidelines, 2015. Collection method: clinical testing. Allele origin: germline.

Dept Of Ophthalmology, Nagoya University
Classification: Uncertain significance for Retinal dystrophy. Last evaluated: 2023-10-01. Review status: criteria provided, single submitter. Criteria: Submitter's publication. Collection method: research. Allele origin: germline. Affected: yes.

Institute of Human Genetics, Univ. Regensburg, Univ. Regensburg
Classification: Uncertain significance for Retinal dystrophy. Last evaluated: 2019-01-01. Review status: criteria provided, single submitter. Criteria: ACMG Guidelines, 2015. Collection method: clinical testing. Allele origin: germline. Affected: yes.

Illumina Laboratory Services, Illumina
Classification: Uncertain significance for Leber congenital amaurosis 2. Last evaluated: 2017-11-20. Review status: criteria provided, single submitter. Criteria: ICSL Variant Classification Criteria 13 December 2019. Collection method: clinical testing. Allele origin: germline.

Illumina Laboratory Services, Illumina
Classification: Uncertain significance for Retinitis pigmentosa. Last evaluated: 2017-11-20. Review status: criteria provided, single submitter. Criteria: ICSL Variant Classification Criteria 13 December 2019. Collection method: clinical testing. Allele origin: germline.

PreventionGenetics, part of Exact Sciences
Classification: Likely benign for RPE65-related condition. Last evaluated: 2023-08-22. Review status: no assertion criteria provided. Collection method: clinical testing. Allele origin: germline. Not counted in ClinVar's aggregate classification.
Comment: This variant is classified as likely benign based on ACMG/AMP sequence variant interpretation guidelines (Richards et al. 2015 PMID: 25741868, with internal and published modifications).

Literature cited by the submitters: PubMed 31630094 (cited by Institute of Human Genetics, Univ. Regensburg, Univ. Regensburg); PubMed 34830511 (cited by Institute of Human Genetics, Univ. Regensburg, Univ. Regensburg); PubMed 34440443 (cited by Institute of Human Genetics, Univ. Regensburg, Univ. Regensburg).